The following is an entry in ClinVar:

ClinVar aggregate classification (germline): Uncertain significance (1 of 4 stars; one submission).

Conditions:
Cardiovascular phenotype. Identifiers: MedGen CN230736.

Allele frequency attached by ClinVar (database versions not stated): TOPMed below 0.00001.

Submission:

Ambry Genetics
Classification: Uncertain significance for Cardiovascular phenotype. Last evaluated: 2022-09-08. Review status: criteria provided, single submitter. Criteria: Ambry Variant Classification Scheme 2023. Collection method: clinical testing. Allele origin: germline.
Comment: The p.A1071V variant (also known as c.3212C>T), located in coding exon 21 of the VCL gene, results from a C to T substitution at nucleotide position 3212. The alanine at codon 1071 is replaced by valine, an amino acid with similar properties. This amino acid position is conserved. In addition, this alteration is predicted to be deleterious by in silico analysis. Since supporting evidence is limited at this time, the clinical significance of this alteration remains unclear.

NM_014000.3(VCL):c.3212C>T (p.Ala1071Val)

Gene: VCL (vinculin; plus strand). Cytogenetic location: 10q22.2.
Variant type: single nucleotide variant.
Coding change: c.3212C>T on transcript NM_014000.3 (MANE Select); coding-DNA position 3212, C replaced by T.
Protein change: p.Ala1071Val; replaces alanine 1071 with valine.
Molecular consequence: missense variant.
Genome position (GRCh38, 1-based): chr10:74,114,853, C>T. VCF-style: chr10-74114853-C-T. GRCh37 (hg19) VCF-style: chr10-75874611-C-T.
Other names: c.3008C>T, p.Ala1003Val (NM_003373.4); short protein forms A1003V, A1071V.
Identifiers: ClinVar variation 1728958 (VCV001728958.2), dbSNP rs918980324, ClinGen allele CA209699527.
Genomic context (GRCh38, chr10:74,114,853, plus strand): 5'-AGGTATGTGAGCGAATCCCAACCATAAGCACCCAGCTCAAAATCCTGTCCACAGTGAAGG[C>T]CACCATGCTGGGCCGGACCAACATCAGTGATGAGGAGTCTGAGCAGGTATGTGGCAGCTG-3'
Protein context (NP_054706.1, residues 1061-1081): TQLKILSTVK[Ala1071Val]TMLGRTNISD